The following is an entry in ClinVar:

NM_004385.5(VCAN):c.4028T>C (p.Ile1343Thr)

Genes: VCAN (versican; plus strand), VCAN-AS1 (VCAN antisense RNA 1; minus strand). Cytogenetic location: 5q14.3.
Variant type: single nucleotide variant.
Coding change: c.4028T>C on transcript NM_004385.5 (MANE Select); coding-DNA position 4028, T replaced by C.
Protein change: p.Ile1343Thr; replaces isoleucine 1343 with threonine.
Molecular consequence: missense variant. On other transcripts: intron variant (2).
Genome position (GRCh38, 1-based): chr5:83,537,031, T>C. VCF-style: chr5-83537031-T-C. GRCh37 (hg19) VCF-style: chr5-82832850-T-C.
Other names: c.1067T>C, p.Ile356Thr (NM_001164097.2); c.4004-8506T>C (NM_001164098.2); c.1043-8506T>C (NM_001126336.3); short protein forms I1343T, I356T.
Identifiers: ClinVar variation 1953591 (VCV001953591.5), dbSNP rs1287296686, ClinGen allele CA360307344.

ClinVar aggregate classification (germline): Uncertain significance (1 of 4 stars; one submission).

Allele frequency attached by ClinVar (database versions not stated): gnomAD exomes below 0.00001.
gnomAD v4.1: 2 of 1,603,906 alleles (0.00012%); highest among the groups gnomAD compares: Admixed American, 0.0017%; no homozygotes.

Submission:

Labcorp Genetics (formerly Invitae), Labcorp
Classification: Uncertain significance. Last evaluated: 2024-10-25. Review status: criteria provided, single submitter. Criteria: Invitae Variant Classification Sherloc (09022015). Collection method: clinical testing. Allele origin: germline.
Comment: This sequence change replaces isoleucine, which is neutral and non-polar, with threonine, which is neutral and polar, at codon 1343 of the VCAN protein (p.Ile1343Thr). This variant is present in population databases (no rsID available, gnomAD 0.003%). This variant has not been reported in the literature in individuals affected with VCAN-related conditions. ClinVar contains an entry for this variant (Variation ID: 1953591). An algorithm developed to predict the effect of missense changes on protein structure and function (PolyPhen-2) suggests that this variant is likely to be tolerated. In summary, the available evidence is currently insufficient to determine the role of this variant in disease. Therefore, it has been classified as a Variant of Uncertain Significance.